The following is an entry in ClinVar:

NM_000352.6(ABCC8):c.3163-1G>A

Gene: ABCC8 (ATP binding cassette subfamily C member 8; minus strand). Cytogenetic location: 11p15.1.
Variant type: single nucleotide variant.
Coding change: c.3163-1G>A on transcript NM_000352.6 (MANE Select); the canonical splice acceptor site of the intron before coding-DNA position 3163, G replaced by A.
Molecular consequence: splice acceptor variant.
Genome position (GRCh38, 1-based): chr11:17,406,789, C>T on the plus strand (G>A on the coding strand, the complement: ABCC8 is on the minus strand). VCF-style: chr11-17406789-C-T. GRCh37 (hg19) VCF-style: chr11-17428336-C-T.
Other names: NM_001287174.3:c.3166-1G>A; c.3160-1G>A (NM_001351297.2); c.3163-1G>A (NM_001351296.2); c.3229-1G>A (NM_001351295.2); c.3166-1G>A (NM_001287174.3).
Identifiers: ClinVar variation 2576205 (VCV002576205.2), dbSNP rs754232612, ClinGen allele CA5902895.

ClinVar aggregate classification (germline): Pathogenic. Review status: criteria provided, multiple submitters, no conflicts (2 of 4 stars). 2 submissions from 2 submitters: Pathogenic (2). Last evaluated 2023-08-16.

Conditions:
Type 2 diabetes mellitus. Also called: Type II diabetes mellitus. Identifiers: MedGen C0011860, MeSH D003924, MONDO:0005148, OMIM 125853, HP:0005978.
Hyperinsulinemic hypoglycemia, familial, 1 (HHF1). Also called: Persistent hyperinsulinemic hypoglycemia of infancy; HYPERINSULINISM, FAMILIAL, WITH PANCREATIC NESIDIOBLASTOSIS; HYPOGLYCEMIA, HYPERINSULINEMIC, OF INFANCY; NESIDIOBLASTOSIS OF PANCREAS; Persistent Hyperinsulinemia Hypoglycemia of Infancy. Identifiers: Orphanet 276575, Orphanet 276598, MedGen C2931832, MONDO:0009734, OMIM 256450.

Allele frequency attached by ClinVar (database versions not stated): gnomAD exomes below 0.00001; ExAC 0.00001.
gnomAD v4.1: 1 of 1,614,234 alleles (0.000062%); highest among the groups gnomAD compares: South Asian, 0.0011%; no homozygotes.

Submissions (2):

Broad Center for Mendelian Genomics, Broad Institute of MIT and Harvard
Classification: Pathogenic for Hyperinsulinemic hypoglycemia, familial, 1. Last evaluated: 2023-08-16. Review status: criteria provided, single submitter. Criteria: ACMG Guidelines, 2015. Collection method: curation. Allele origin: germline. Inheritance: Autosomal recessive inheritance.
Comment: The c.3163-1G>A variant in ABCC8 has been reported in 1 individual, in the homozygous state, with hyperinsulinemic hypoglycemia (PMID: 32027066) and has been identified in 0.003% (1/30616) of South Asian chromosomes by the Genome Aggregation Database (gnomAD; dbSNP ID: rs754232612). Although this variant has been seen in the general population in a heterozygous state, its frequency is low enough to be consistent with a recessive carrier frequency. This variant is located in the 3' splice region. SpliceAI predictions indicate use of an out-of-frame cryptic splice site 1 base from the intron-exon boundary, providing evidence that this variant may cause a frameshift and lead to a premature termination codon downstream. This alteration is then predicted to lead to a truncated or absent protein. However, this information is not predictive enough to determine pathogenicity. Loss of function of the ABCC8 gene is an established disease mechanism in autosomal recessive hyperinsulinemic hypoglycemia. In summary, this variant meets criteria to be classified as pathogenic for autosomal recessive hyperinsulinemic hypoglycemia. ACMG/AMP Criteria applied: PM3_supporting, PM2_supporting, PVS1 (Richards 2015).

Baylor Genetics
Classification: Pathogenic for Type 2 diabetes mellitus. Last evaluated: 2023-04-25. Review status: criteria provided, single submitter. Criteria: ACMG Guidelines, 2015. Collection method: clinical testing. Allele origin: unknown.